The following is an entry in ClinVar:

NM_001369.3(DNAH5):c.6551T>C (p.Val2184Ala)

Gene: DNAH5 (dynein axonemal heavy chain 5; minus strand). Cytogenetic location: 5p15.2.
Variant type: single nucleotide variant.
Coding change: c.6551T>C on transcript NM_001369.3 (MANE Select); coding-DNA position 6551, T replaced by C.
Protein change: p.Val2184Ala; replaces valine 2184 with alanine.
Molecular consequence: missense variant.
Genome position (GRCh38, 1-based): chr5:13,824,227, A>G on the plus strand (T>C on the coding strand, the complement: DNAH5 is on the minus strand). VCF-style: chr5-13824227-A-G. GRCh37 (hg19) VCF-style: chr5-13824336-A-G.
Other names: short protein forms V2184A.
Identifiers: ClinVar variation 454794 (VCV000454794.13), dbSNP rs200805455, ClinGen allele CA3203363.

ClinVar aggregate classification (germline): Conflicting classifications of pathogenicity. Review status: criteria provided, conflicting classifications (1 of 4 stars). 4 submissions from 4 submitters: Uncertain significance (1); Likely benign (1). 2 of the submissions do not count toward it. Last evaluated 2025-11-04.

Conditions:
Primary ciliary dyskinesia. Also called: Ciliary dyskinesia. Identifiers: Orphanet 244, MedGen C0008780, MONDO:0016575, HP:0012265.

Allele frequency attached by ClinVar (database versions not stated): TOPMed 0.00002; gnomAD 0.00003 and 0.00004; ESP Exome Variant Server 0.00008; ExAC 0.00010.
gnomAD v4.1: 185 of 1,613,846 alleles (0.011%); highest among the groups gnomAD compares: Non-Finnish European, 0.015%; no homozygotes.

Submissions (4):

Ambry Genetics
Classification: Uncertain significance for Primary ciliary dyskinesia. Last evaluated: 2025-11-04. Review status: criteria provided, single submitter. Criteria: Ambry Variant Classification Scheme 2023. Collection method: clinical testing. Allele origin: germline.
Comment: The p.V2184A variant (also known as c.6551T>C), located in coding exon 39 of the DNAH5 gene, results from a T to C substitution at nucleotide position 6551. The valine at codon 2184 is replaced by alanine, an amino acid with similar properties. This variant was previously reported in the SNPDatabase as rs200805455. Based on data from the NHLBI Exome Sequencing Project (ESP), the C allele has an overall frequency of approximately 0.01% (1/13006) total alleles studied and 0.01% (1/8600) European American alleles. This amino acid position is highly conserved in available vertebrate species. In addition, this alteration is predicted to be tolerated by in silico analysis. Since supporting evidence is limited at this time, the clinical significance of this variant remains unclear.

Labcorp Genetics (formerly Invitae), Labcorp
Classification: Likely benign for Primary ciliary dyskinesia. Last evaluated: 2025-09-22. Review status: criteria provided, single submitter. Criteria: Invitae Variant Classification Sherloc (09022015). Collection method: clinical testing. Allele origin: germline.

Natera, Inc.
Classification: Uncertain significance for Primary ciliary dyskinesia. Last evaluated: 2019-10-28. Review status: no assertion criteria provided. Collection method: clinical testing. Allele origin: germline. Not counted in ClinVar's aggregate classification.

Department of Pathology and Laboratory Medicine, Sinai Health System
Classification: Likely benign. Review status: no assertion criteria provided. Collection method: clinical testing. Allele origin: unknown. Affected: yes. Study: The Canadian Open Genetics Repository (COGR). Not counted in ClinVar's aggregate classification.
Comment: The DNAH5 p.Val2184Ala variant was not identified in the literature nor was it identified in Cosmic or LOVD 3.0. The variant was identified in dbSNP (ID: rs200805455) and ClinVar (classified as a VUS by Invitae). The variant was identified in control databases in 19 of 282754 chromosomes at a frequency of 0.000067 (Genome Aggregation Database March 6, 2019, v2.1.1). The variant was also observed in the European (non-Finnish) population in 19 of 129082 chromosomes (freq: 0.000147), but was not observed in the African, Latino, Ashkenazi Jewish, East Asian, European (Finnish), Other, or South Asian populations. The p.Val2184 residue is conserved in mammals and computational analyses (PolyPhen-2, SIFT, AlignGVGD, BLOSUM, MutationTaster) provide inconsistent predictions regarding the impact to the protein; this information is not very predictive of pathogenicity. The variant occurs outside of the splicing consensus sequence and in silico or computational prediction software programs (SpliceSiteFinder, MaxEntScan, NNSPLICE, GeneSplicer) do not predict a difference in splicing. In summary, based on the above information the clinical significance of this variant cannot be determined with certainty at this time. This variant is classified as a variant of uncertain significance.